The following is an entry in ClinVar:

NM_000088.4(COL1A1):c.3665del (p.Asn1222fs)

Gene: COL1A1 (collagen type I alpha 1 chain; minus strand). Cytogenetic location: 17q21.33.
Variant type: Deletion.
Coding change: c.3665del on transcript NM_000088.4 (MANE Select); coding-DNA position 3665, one base deleted (A; older notation c.3665delA).
Protein change: p.Asn1222fs; shifts the reading frame from asparagine 1222.
Molecular consequence: frameshift variant.
Genome position (GRCh38, 1-based): chr17:50,186,789, T deleted on the plus strand (A on the coding strand, the reverse complement: COL1A1 is on the minus strand); the first of 2 consecutive T bases (chr17:50,186,789-50,186,790); deleting either gives the same sequence. VCF-style (leftmost placement, unchanged base first): chr17-50186788-AT-A. GRCh37 (hg19) VCF-style: chr17-48264149-AT-A.
Other names: c.3665delA (NM_000088.3); short protein forms N1222fs.
Identifiers: ClinVar variation 3061211 (VCV003061211.2), dbSNP rs2509164332, ClinGen allele CA2740093777.

ClinVar aggregate classification (germline): Likely pathogenic (0 of 4 stars; one submission).

Conditions:
COL1A1-related disorder. Also called: COL1A1- related disease; COL1A1-related condition.

Submission:

PreventionGenetics, part of Exact Sciences
Classification: Likely pathogenic for COL1A1-related condition. Last evaluated: 2024-02-04. Review status: no assertion criteria provided. Collection method: clinical testing. Allele origin: germline.
Comment: The COL1A1 c.3665delA variant is predicted to result in a frameshift and premature protein termination (p.Asn1222Metfs*17). To our knowledge, this variant has not been reported in the literature or in a large population database, indicating this variant is rare. Frameshift variants in COL1A1 are expected to be pathogenic. This variant is interpreted as likely pathogenic.